The following is an entry in ClinVar:

NM_004655.4(AXIN2):c.1325A>T (p.His442Leu)

Gene: AXIN2 (axin 2; minus strand). Cytogenetic location: 17q24.1.
Variant type: single nucleotide variant.
Coding change: c.1325A>T on transcript NM_004655.4 (MANE Select); coding-DNA position 1325, A replaced by T.
Protein change: p.His442Leu; replaces histidine 442 with leucine.
Molecular consequence: missense variant.
Genome position (GRCh38, 1-based): chr17:65,537,711, T>A on the plus strand (A>T on the coding strand, the complement: AXIN2 is on the minus strand). VCF-style: chr17-65537711-T-A. GRCh37 (hg19) VCF-style: chr17-63533829-T-A.
Other names: c.1325A>T, p.His442Leu (NM_001363813.1); short protein forms H442L.
Identifiers: ClinVar variation 1407019 (VCV001407019.8), dbSNP rs1598099460, ClinGen allele CA400677723.
Genomic context (GRCh38, chr17:65,537,711, plus strand): 5'-GGGCTATAGCGGCCTACGCCTGGAGACTGGCAGCCAGGGGTCTTGAGGACCCTGGACAGG[T>A]GATCGTCCAGTATCGTCTGCGGGTCTTCCTCGTAGCTGCCGGAGGGCAGTAGGGAGAGGG-3'
Protein context (NP_004646.3, residues 432-452): EEDPQTILDD[His442Leu]LSRVLKTPGC

ClinVar aggregate classification (germline): Uncertain significance (1 of 4 stars; one submission).

Conditions:
Oligodontia-cancer predisposition syndrome. Also called: TOOTH AGENESIS-COLORECTAL CANCER SYNDROME. Identifiers: Orphanet 300576, MedGen C1837750, MONDO:0012075, OMIM 608615. Disease mechanism: loss of function.

Submission:

Labcorp Genetics (formerly Invitae), Labcorp
Classification: Uncertain significance for Oligodontia-cancer predisposition syndrome. Last evaluated: 2021-07-24. Review status: criteria provided, single submitter. Criteria: Invitae Variant Classification Sherloc (09022015). Collection method: clinical testing. Allele origin: germline.
Comment: This variant is not present in population databases (ExAC no frequency). This sequence change replaces histidine with leucine at codon 442 of the AXIN2 protein (p.His442Leu). The histidine residue is highly conserved and there is a moderate physicochemical difference between histidine and leucine. This variant has not been reported in the literature in individuals affected with AXIN2-related conditions. In summary, the available evidence is currently insufficient to determine the role of this variant in disease. Therefore, it has been classified as a Variant of Uncertain Significance. Algorithms developed to predict the effect of missense changes on protein structure and function (SIFT, PolyPhen-2, Align-GVGD) all suggest that this variant is likely to be disruptive.